The following is an entry in ClinVar:

ClinVar aggregate classification (germline): Conflicting classifications of pathogenicity. Review status: criteria provided, conflicting classifications (1 of 4 stars). 6 submissions from 6 submitters: Uncertain significance (4); Likely benign (1). 1 of the submissions does not count toward it. Last evaluated 2025-05-22.

Conditions:
ARID1B-Related Disorder. Identifiers: MedGen CN381337.
Inborn genetic diseases. Identifiers: MedGen C0950123, MeSH D030342.
Coffin-Siris syndrome 1 (CSS1). Also called: Mental retardation, autosomal dominant 12; ARID1B-Related Coffin-Siris Syndrome. Identifiers: Orphanet 1465, MedGen C3281201, MONDO:0007617, OMIM 135900. Disease mechanism: gain of function.

Allele frequency attached by ClinVar (database versions not stated): gnomAD 0.00018 and 0.00019.
gnomAD v4.1: 100 of 1,352,872 alleles (0.0074%); highest among the groups gnomAD compares: African/African-American, 0.044%; no homozygotes.

Submissions (6):

Labcorp Genetics (formerly Invitae), Labcorp
Classification: Likely benign. Last evaluated: 2025-05-22. Review status: criteria provided, single submitter. Criteria: Invitae Variant Classification Sherloc (09022015). Collection method: clinical testing. Allele origin: germline.

Genome-Nilou Lab
Classification: Uncertain significance for Coffin-Siris syndrome 1. Last evaluated: 2021-07-15. Review status: criteria provided, single submitter. Criteria: ACMG Guidelines, 2015. Collection method: clinical testing. Allele origin: germline. Affected: no.

Fulgent Genetics
Classification: Uncertain significance for Coffin-Siris syndrome 1. Last evaluated: 2018-10-31. Review status: criteria provided, single submitter. Criteria: ACMG Guidelines, 2015. Collection method: clinical testing. Allele origin: unknown.

GeneDx
Classification: Uncertain significance. Last evaluated: 2017-09-22. Review status: criteria provided, single submitter. Criteria: GeneDx Variant Classification (06012015). Collection method: clinical testing. Allele origin: germline. Affected: yes.
Comment: The G327A variant in the ARID1B gene has not been reported previously as a pathogenic variant, nor as a benign variant, to our knowledge. The G327A variant is not observed in large population cohorts (Lek et al., 2016; 1000 Genomes Consortium et al., 2015; Exome Variant Server). The G327A variant is a conservative amino acid substitution, which is not likely to impact secondary protein structure as these residues share similar properties. In silico analysis predicts this variant likely does not alter the protein structure/function. We interpret G327A as a variant of uncertain significance.

Ambry Genetics
Classification: Uncertain significance for Inborn genetic diseases. Last evaluated: 2016-11-09. Review status: criteria provided, single submitter. Criteria: Ambry Variant Classification Scheme 2023. Collection method: clinical testing. Allele origin: germline.
Comment: The p.G327A variant (also known as c.980G>C), located in coding exon 1 of the ARID1B gene, results from a G to C substitution at nucleotide position 980. The glycine at codon 327 is replaced by alanine, an amino acid with similar properties. This amino acid position is well conserved in available vertebrate species. In addition, this alteration is predicted to be tolerated by in silico analysis. Since supporting evidence is limited at this time, the clinical significance of this alteration remains unclear.

PreventionGenetics, part of Exact Sciences
Classification: Likely benign for ARID1B-related condition. Last evaluated: 2023-02-10. Review status: no assertion criteria provided. Collection method: clinical testing. Allele origin: germline. Not counted in ClinVar's aggregate classification.
Comment: This variant is classified as likely benign based on ACMG/AMP sequence variant interpretation guidelines (Richards et al. 2015 PMID: 25741868, with internal and published modifications).

NM_001374828.1(ARID1B):c.1229G>C (p.Gly410Ala)

Gene: ARID1B (AT-rich interaction domain 1B; plus strand). Cytogenetic location: 6q25.3.
Variant type: single nucleotide variant.
Coding change: c.1229G>C on transcript NM_001374828.1 (MANE Select); coding-DNA position 1229, G replaced by C.
Protein change: p.Gly410Ala; replaces glycine 410 with alanine.
Molecular consequence: missense variant.
Genome position (GRCh38, 1-based): chr6:156,778,909, G>C. VCF-style: chr6-156778909-G-C. GRCh37 (hg19) VCF-style: chr6-157100043-G-C.
Other names: c.980G>C, p.Gly327Ala (NM_020732.3); c.1229G>C, p.Gly410Ala (NM_001371656.1, NM_001374820.1, NM_017519.3); short protein forms G327A, G410A.
Identifiers: ClinVar variation 452366 (VCV000452366.16), dbSNP rs1455234951, ClinGen allele CA366383630.
Genomic context (GRCh38, chr6:156,778,909, plus strand): 5'-GCGGCGGCGGCGGCGGCGGCGGCGGAGGAGGAGGAGGCAGCGGAGGAGGAGGAGGAGGAG[G>C]AGGAGCAGGAGCAGGAGGAGCAGGAGCGGGAGCTGTGGCGGCGGCGGCCGCGGCGGCGGC-3'
Protein context (NP_001361757.1, residues 400-420): GGGSGGGGGG[Gly410Ala]GAGAGGAGAG